The following is an entry in ClinVar:

ClinVar aggregate classification (germline): Uncertain significance (1 of 4 stars; one submission).

Conditions:
Cardiovascular phenotype. Identifiers: MedGen CN230736.

gnomAD v4.1: 1 of 1,614,134 alleles (0.000062%); highest among the groups gnomAD compares: Non-Finnish European, 0.000085%; no homozygotes.

Submission:

Ambry Genetics
Classification: Uncertain significance for Cardiovascular phenotype. Last evaluated: 2025-05-05. Review status: criteria provided, single submitter. Criteria: Ambry Variant Classification Scheme 2023. Collection method: clinical testing. Allele origin: germline.
Comment: The p.P1753L variant (also known as c.5258C>T), located in coding exon 27 of the SCN10A gene, results from a C to T substitution at nucleotide position 5258. The proline at codon 1753 is replaced by leucine, an amino acid with similar properties. This amino acid position is conserved. In addition, this alteration is predicted to be deleterious by in silico analysis. Based on the available evidence, the clinical significance of this variant remains unclear.

NM_006514.4(SCN10A):c.5258C>T (p.Pro1753Leu)

Gene: SCN10A (sodium voltage-gated channel alpha subunit 10; minus strand). Cytogenetic location: 3p22.2.
Variant type: single nucleotide variant.
Coding change: c.5258C>T on transcript NM_006514.4 (MANE Select); coding-DNA position 5258, C replaced by T.
Protein change: p.Pro1753Leu; replaces proline 1753 with leucine.
Molecular consequence: missense variant.
Genome position (GRCh38, 1-based): chr3:38,697,962, G>A on the plus strand (C>T on the coding strand, the complement: SCN10A is on the minus strand). VCF-style: chr3-38697962-G-A. GRCh37 (hg19) VCF-style: chr3-38739453-G-A.
Other names: c.5255C>T, p.Pro1752Leu (NM_001293306.2); c.4964C>T, p.Pro1655Leu (NM_001293307.2); short protein forms P1752L, P1655L, P1753L.
Identifiers: ClinVar variation 3950869 (VCV003950869.1).